The following is an entry in ClinVar:

ClinVar aggregate classification (germline): Uncertain significance. Review status: criteria provided, multiple submitters, no conflicts (2 of 4 stars). 3 submissions from 3 submitters: Uncertain significance (3). Last evaluated 2026-03-23.

Conditions:
PMS2-related disorder. Also called: PMS2-related condition.
Breast and/or ovarian cancer. Identifiers: MedGen CN221562.
Hereditary nonpolyposis colorectal neoplasms. Identifiers: MedGen C0009405, MeSH D003123.

Submissions (3):

PreventionGenetics, part of Exact Sciences
Classification: Uncertain significance for PMS2-related condition. Last evaluated: 2026-03-23. Review status: criteria provided, single submitter. Criteria: ACMG Guidelines, 2015. Collection method: clinical testing. Allele origin: germline.
Comment: The PMS2 c.2335G>C variant is predicted to result in the amino acid substitution p.Gly779Arg. To our knowledge, this variant has not been reported in the literature or in a large population database (gnomAD); however, this variant falls within a highly paralogous region, and allele frequency data should be interpreted with caution. This variant has been classified as uncertain in ClinVar (Variation ID: 2442986). At this time, the clinical significance of this variant is uncertain due to the absence of conclusive functional and genetic evidence.

Labcorp Genetics (formerly Invitae), Labcorp
Classification: Uncertain significance for Hereditary nonpolyposis colorectal neoplasms. Last evaluated: 2024-11-26. Review status: criteria provided, single submitter. Criteria: Invitae Variant Classification Sherloc (09022015). Collection method: clinical testing. Allele origin: germline.
Comment: This sequence change replaces glycine, which is neutral and non-polar, with arginine, which is basic and polar, at codon 779 of the PMS2 protein (p.Gly779Arg). The frequency data for this variant in the population databases (gnomAD) is considered unreliable due to the presence of homologous sequence, such as pseudogenes or paralogs, in the genome. This variant has not been reported in the literature in individuals affected with PMS2-related conditions. ClinVar contains an entry for this variant (Variation ID: 2442986). Invitae Evidence Modeling of protein sequence and biophysical properties (such as structural, functional, and spatial information, amino acid conservation, physicochemical variation, residue mobility, and thermodynamic stability) indicates that this missense variant is expected to disrupt PMS2 protein function with a positive predictive value of 80%. Algorithms developed to predict the effect of sequence changes on RNA splicing suggest that this variant may create or strengthen a splice site. In summary, the available evidence is currently insufficient to determine the role of this variant in disease. Therefore, it has been classified as a Variant of Uncertain Significance.

CHEO Genetics Diagnostic Laboratory, Children's Hospital of Eastern Ontario
Classification: Uncertain significance for Breast and/or ovarian cancer. Last evaluated: 2021-10-18. Review status: criteria provided, single submitter. Criteria: ACMG Guidelines, 2015. Collection method: clinical testing. Allele origin: germline.

NM_000535.7(PMS2):c.2335G>C (p.Gly779Arg)

Gene: PMS2 (PMS1 homolog 2, mismatch repair system component; minus strand). Cytogenetic location: 7p22.1.
Variant type: single nucleotide variant.
Coding change: c.2335G>C on transcript NM_000535.7 (MANE Select); coding-DNA position 2335, G replaced by C.
Protein change: p.Gly779Arg; replaces glycine 779 with arginine.
Molecular consequence: missense variant. On other transcripts: non-coding transcript variant (1).
Genome position (GRCh38, 1-based): chr7:5,977,698, C>G on the plus strand (G>C on the coding strand, the complement: PMS2 is on the minus strand). VCF-style: chr7-5977698-C-G. GRCh37 (hg19) VCF-style: chr7-6017329-C-G.
Other names: c.2335G>C (NM_000535.6); c.1930G>C, p.Gly644Arg (NM_001406897.1, NM_001406898.1, NM_001406899.1 and 12 more transcripts); c.1870G>C, p.Gly624Arg (NM_001406900.1); c.1861G>C, p.Gly621Arg (NM_001406901.1, NM_001406902.1); c.1849G>C, p.Gly617Arg (NM_001406903.1); c.1822G>C, p.Gly608Arg (NM_001406904.1, NM_001406905.1); c.1774G>C, p.Gly592Arg (NM_001406906.1, NM_001406907.1, NM_001322010.2); c.1963G>C, p.Gly655Arg (NM_001406888.1, NM_001406887.1, NM_001322009.2); and 21 more; short protein forms G378R, G468R, G522R, G540R, G588R, G592R, G608R, G617R.
Identifiers: ClinVar variation 2442986 (VCV002442986.6), dbSNP rs587780053, ClinGen allele CA366735942.